The following is an entry in ClinVar:

NM_000112.4(SLC26A2):c.117C>G (p.Phe39Leu)

Gene: SLC26A2 (solute carrier family 26 member 2; plus strand). Cytogenetic location: 5q32.
Variant type: single nucleotide variant.
Coding change: c.117C>G on transcript NM_000112.4 (MANE Select); coding-DNA position 117, C replaced by G.
Protein change: p.Phe39Leu; replaces phenylalanine 39 with leucine.
Molecular consequence: missense variant.
Genome position (GRCh38, 1-based): chr5:149,977,769, C>G. VCF-style: chr5-149977769-C-G. GRCh37 (hg19) VCF-style: chr5-149357332-C-G.
Other names: short protein forms F39L.
Identifiers: ClinVar variation 2062726 (VCV002062726.2), dbSNP rs376023150, ClinGen allele CA3505204.
Genomic context (GRCh38, chr5:149,977,769, plus strand): 5'-AAATGACAGTTATCCATCTGGGATCCATCTGGAACTTCAAAGGGAATCAAGTACTGACTT[C>G]AAGCAATTTGAGACCAATGATCAATGCAGACCTTATCATAGGATCCTTATTGAGCGTCAA-3'
Protein context (NP_000103.2, residues 29-49): LELQRESSTD[Phe39Leu]KQFETNDQCR

ClinVar aggregate classification (germline): Uncertain significance. Review status: criteria provided, multiple submitters, no conflicts (2 of 4 stars). 2 submissions from 2 submitters: Uncertain significance (2). Last evaluated 2025-05-26.

Conditions:
Achondrogenesis, type IB (ACG1B). Also called: Achondrogenesis Type 1B. Identifiers: Orphanet 932, Orphanet 93298, MedGen C0265274, MONDO:0010966, OMIM 600972.
Multiple epiphyseal dysplasia type 4 (EDM4). Also called: Multiple Epiphyseal Dysplasia, Recessive; MULTIPLE EPIPHYSEAL DYSPLASIA WITH BILAYERED PATELLAE; MULTIPLE EPIPHYSEAL DYSPLASIA WITH CLUBFOOT; MULTIPLE EPIPHYSEAL DYSPLASIA, AUTOSOMAL RECESSIVE; SLC26A2-Related Multiple Epiphyseal Dysplasia. Identifiers: Orphanet 93307, MedGen C1847593, MONDO:0009189, OMIM 226900.
Atelosteogenesis type II (AO2). Also called: NEONATAL OSSEOUS DYSPLASIA I; Neonatal osseous dysplasia 1; SLC26A2-Related Atelosteogenesis. Identifiers: Orphanet 56304, MedGen C1850554, MONDO:0009727, OMIM 256050.
Diastrophic dysplasia (DTD). Also called: Diastrophic dwarfism. Identifiers: Orphanet 628, MedGen C0220726, MONDO:0009107, OMIM 222600.
Inborn genetic diseases. Identifiers: MedGen C0950123, MeSH D030342.

Allele frequency attached by ClinVar (database versions not stated): ExAC 0.00001; gnomAD exomes 0.00001; TOPMed 0.00004; gnomAD 0.00007; ESP Exome Variant Server 0.00008.
gnomAD v4.1: 22 of 1,613,784 alleles (0.0014%); highest among the groups gnomAD compares: African/African-American, 0.013%; no homozygotes.

Submissions (2):

Ambry Genetics
Classification: Uncertain significance for Inborn genetic diseases. Last evaluated: 2025-05-26. Review status: criteria provided, single submitter. Criteria: Ambry Variant Classification Scheme 2023. Collection method: clinical testing. Allele origin: germline.

Labcorp Genetics (formerly Invitae), Labcorp
Classification: Uncertain significance for Atelosteogenesis type II; Multiple epiphyseal dysplasia type 4; Achondrogenesis, type IB; Diastrophic dysplasia. Last evaluated: 2022-03-12. Review status: criteria provided, single submitter. Criteria: Invitae Variant Classification Sherloc (09022015). Collection method: clinical testing. Allele origin: germline.
Comment: This sequence change replaces phenylalanine, which is neutral and non-polar, with leucine, which is neutral and non-polar, at codon 39 of the SLC26A2 protein (p.Phe39Leu). This variant is present in population databases (rs376023150, gnomAD 0.008%). This variant has not been reported in the literature in individuals affected with SLC26A2-related conditions. Advanced modeling of protein sequence and biophysical properties (such as structural, functional, and spatial information, amino acid conservation, physicochemical variation, residue mobility, and thermodynamic stability) performed at Invitae indicates that this missense variant is not expected to disrupt SLC26A2 protein function. In summary, the available evidence is currently insufficient to determine the role of this variant in disease. Therefore, it has been classified as a Variant of Uncertain Significance.